The following is an entry in ClinVar:

ClinVar aggregate classification (germline): Conflicting classifications of pathogenicity. Review status: criteria provided, conflicting classifications (1 of 4 stars). 6 submissions from 6 submitters: Pathogenic (1); Likely pathogenic (4); Uncertain significance (1). Last evaluated 2025-10-27.

Conditions:
LZTR1-related schwannomatosis. Also called: Schwannomatosis 2; Schwannomatosis-2, susceptibility to. Identifiers: Orphanet 93921, MedGen C3810283, MONDO:0014299, OMIM 615670.
Noonan syndrome 2 (NS2). Identifiers: Orphanet 648, MedGen C1854469, MONDO:0011531, OMIM 605275.
Noonan syndrome 10 (NS10). Identifiers: Orphanet 648, MedGen C4225280, MONDO:0014693, OMIM 616564.
Hereditary cancer-predisposing syndrome. Also called: Hereditary neoplastic syndrome; Neoplastic Syndromes, Hereditary; Tumor predisposition; Hereditary Cancer Syndrome. Identifiers: Orphanet 140162, MedGen C0027672, MeSH D009386, MONDO:0015356.
Cardiovascular phenotype. Identifiers: MedGen CN230736.

Allele frequency attached by ClinVar (database versions not stated): ExAC 0.00001; TOPMed 0.00001.
gnomAD v4.1: 3 of 1,605,640 alleles (0.00019%); highest among the groups gnomAD compares: Non-Finnish European, 0.00017%; no homozygotes.

Submissions (6):

Labcorp Genetics (formerly Invitae), Labcorp
Classification: Likely pathogenic. Last evaluated: 2025-10-27. Review status: criteria provided, single submitter. Criteria: Invitae Variant Classification Sherloc (09022015). Collection method: clinical testing. Allele origin: germline.
Comment: This sequence change affects a donor splice site in intron 13 of the LZTR1 gene. It is expected to disrupt RNA splicing. Variants that disrupt the donor or acceptor splice site typically lead to a loss of protein function (PMID: 16199547), and loss-of-function variants in LZTR1 are known to be pathogenic (PMID: 24362817, 25335493, 25480913, 25795793, 29469822, 30368668, 30442762, 30442766, 30481304, 30859559). This variant is present in population databases (rs758122659, gnomAD 0.001%). Disruption of this splice site has been observed in individual(s) with schwannomatosis (PMID: 24362817). ClinVar contains an entry for this variant (Variation ID: 1772844). Algorithms developed to predict the effect of sequence changes on RNA splicing suggest that this variant may disrupt the consensus splice site. In summary, the currently available evidence indicates that the variant is pathogenic, but additional data are needed to prove that conclusively. Therefore, this variant has been classified as Likely Pathogenic.

CeGaT Center for Human Genetics Tuebingen
Classification: Likely pathogenic. Last evaluated: 2025-09-01. Review status: criteria provided, single submitter. Criteria: CeGaT Center For Human Genetics Tuebingen Variant Classification Criteria Version 2. Collection method: clinical testing. Allele origin: germline. Affected: yes. Observed: 1 variant allele.
Comment: LZTR1: PVS1:Strong, PM2, PS4:Supporting

GeneDx
Classification: Likely pathogenic. Last evaluated: 2024-02-12. Review status: criteria provided, single submitter. Criteria: GeneDx Variant Classification Process June 2021. Collection method: clinical testing. Allele origin: germline.
Comment: Not observed at significant frequency in large population cohorts (gnomAD); In silico analysis supports a deleterious effect on splicing; This variant is associated with the following publications: (PMID: 24362817, 35391499)

Clinical Genetics Laboratory, Skane University Hospital Lund
Classification: Likely pathogenic. Last evaluated: 2023-03-22. Review status: criteria provided, single submitter. Criteria: ACMG Guidelines, 2015. Collection method: clinical testing. Allele origin: germline. Affected: yes.

Ambry Genetics
Classification: Pathogenic for Cardiovascular phenotype; Hereditary cancer-predisposing syndrome. Last evaluated: 2022-12-09. Review status: criteria provided, single submitter. Criteria: Ambry Variant Classification Scheme 2023. Collection method: clinical testing. Allele origin: germline.
Comment: The c.1449+1G>A intronic pathogenic mutation results from a G to A substitution one nucleotide after coding exon 13 of the LZTR1 gene. This mutation has been detected in an individual with schwannomatosis (Piotrowski A et al. Nat Genet, 2014 Feb;46:182-7). This variant is considered to be rare based on population cohorts in the Genome Aggregation Database (gnomAD). This nucleotide position is highly conserved in available vertebrate species. In silico splice site analysis predicts that this alteration will weaken the native splice donor site and will result in the creation or strengthening of a novel splice donor site. RNA studies have demonstrated that this alteration results in abnormal splicing in the set of samples tested (Piotrowski A et al. Nat Genet, 2014 Feb;46:182-7; Ambry internal data). Loss-of-function variants in LZTR1 are related to an increased risk for schwannomas and autosomal recessive Noonan syndrome; however, such associations with autosomal dominant Noonan syndrome have not been observed (Piotrowski A et al. Nat Genet. 2014 Feb;46:182-7; Yamamoto GL et al. J Med Genet. 2015 Jun;52:413-21; Johnston JJ et al. Genet Med. 2018 10;20:1175-1185). Based on the supporting evidence, this variant is pathogenic for an increased risk of LZTR1-related schwannomatosis (SWN) and would be expected to cause autosomal recessive Noonan syndrome when present along with a second pathogenic or likely pathogenic variant on the other allele; however, the association of this alteration with autosomal dominant Noonan syndrome is unlikely.

Juno Genomics, Hangzhou Juno Genomics, Inc
Classification: Uncertain significance for LZTR1-related schwannomatosis; Noonan syndrome 10; Noonan syndrome 2. Review status: criteria provided, single submitter. Criteria: ACMG Guidelines, 2015. Collection method: clinical testing. Allele origin: germline.
Comment: Absent from controls (or at extremely low frequency if recessive) in Genome Aggregation Database.;Null variant in a gene where loss of function (LOF) is a known mechanism of disease.

Literature cited by the submitters: PubMed 16199547 (cited by Labcorp Genetics (formerly Invitae), Labcorp); PubMed 24362817 (cited by Labcorp Genetics (formerly Invitae), Labcorp); PubMed 25335493 (cited by Labcorp Genetics (formerly Invitae), Labcorp); PubMed 25480913 (cited by Labcorp Genetics (formerly Invitae), Labcorp); PubMed 25795793 (cited by Labcorp Genetics (formerly Invitae), Labcorp); PubMed 29469822 (cited by Labcorp Genetics (formerly Invitae), Labcorp); PubMed 30368668 (cited by Labcorp Genetics (formerly Invitae), Labcorp); PubMed 30442762 (cited by Labcorp Genetics (formerly Invitae), Labcorp); PubMed 30442766 (cited by Labcorp Genetics (formerly Invitae), Labcorp); PubMed 30481304 (cited by Labcorp Genetics (formerly Invitae), Labcorp); PubMed 30859559 (cited by Labcorp Genetics (formerly Invitae), Labcorp).

NM_006767.4(LZTR1):c.1449+1G>A

Gene: LZTR1 (leucine zipper like post translational regulator 1; plus strand). Cytogenetic location: 22q11.21.
Variant type: single nucleotide variant.
Coding change: c.1449+1G>A on transcript NM_006767.4 (MANE Select); the canonical splice donor site of the intron after coding-DNA position 1449, G replaced by A.
Molecular consequence: splice donor variant.
Genome position (GRCh38, 1-based): chr22:20,994,020, G>A. VCF-style: chr22-20994020-G-A. GRCh37 (hg19) VCF-style: chr22-21348309-G-A.
Identifiers: ClinVar variation 1772844 (VCV001772844.18), dbSNP rs758122659, ClinGen allele CA10118889.
Genomic context (GRCh38, chr22:20,994,020, plus strand): 5'-ACAGCGCGGAGCCGCTGGCTTCGCAGGAAGATCACGCAGGCGCGGGAGAGGCTGGCCCAG[G>A]TGAGGTGCCTAACCGCCCTGCCCTGACCTGGCAGCCATGCCTGGTGTCCACTGGGGTGTC-3'